The following is an entry in ClinVar:

ClinVar aggregate classification (germline): Uncertain significance. Review status: criteria provided, multiple submitters, no conflicts (2 of 4 stars). 3 submissions from 3 submitters: Uncertain significance (3). Last evaluated 2025-12-08.

Conditions:
Loeys-Dietz syndrome 2 (LDS2). Also called: TGFBR2-Related Loeys-Dietz Syndrome; Marfan Syndrome type 2; Marfan like connective tissue disorder; MFS 2; AORTIC ANEURYSM, FAMILIAL THORACIC 3; MARFAN SYNDROME, TYPE II. Identifiers: Orphanet 284973, Orphanet 558, MedGen C2674574, MONDO:0012427, OMIM 610168.

Allele frequency attached by ClinVar (database versions not stated): gnomAD exomes 0.00001; ExAC 0.00002; gnomAD 0.00003; TOPMed 0.00003.
gnomAD v4.1: 22 of 1,613,830 alleles (0.0014%); highest among the groups gnomAD compares: Non-Finnish European, 0.0018%; no homozygotes.

Submissions (3):

Labcorp Genetics (formerly Invitae), Labcorp
Classification: Uncertain significance for Loeys-Dietz syndrome 2. Last evaluated: 2025-12-08. Review status: criteria provided, single submitter. Criteria: Invitae Variant Classification Sherloc (09022015). Collection method: clinical testing. Allele origin: germline.
Comment: This sequence change replaces aspartic acid, which is acidic and polar, with glutamic acid, which is acidic and polar, at codon 250 of the TMPO protein (p.Asp250Glu). This variant is present in population databases (rs767997382, gnomAD 0.003%). This variant has not been reported in the literature in individuals affected with TMPO-related conditions. ClinVar contains an entry for this variant (Variation ID: 1759247). Invitae Evidence Modeling of protein sequence and biophysical properties (such as structural, functional, and spatial information, amino acid conservation, physicochemical variation, residue mobility, and thermodynamic stability) indicates that this missense variant is not expected to disrupt TMPO protein function with a negative predictive value of 80%. In summary, the available evidence is currently insufficient to determine the role of this variant in disease. Therefore, it has been classified as a Variant of Uncertain Significance.

GeneDx
Classification: Uncertain significance. Last evaluated: 2025-04-18. Review status: criteria provided, single submitter. Criteria: GeneDx Variant Classification Process June 2021. Collection method: clinical testing. Allele origin: germline. Affected: yes.
Comment: Not observed at significant frequency in large population cohorts (gnomAD); In silico analysis indicates that this missense variant does not alter protein structure/function; Has not been previously published as pathogenic or benign to our knowledge

Ambry Genetics
Classification: Uncertain significance. Last evaluated: 2024-05-22. Review status: criteria provided, single submitter. Criteria: Ambry Variant Classification Scheme 2023. Collection method: clinical testing. Allele origin: germline.
Comment: The p.D250E variant (also known as c.750C>G), located in coding exon 4 of the TMPO gene, results from a C to G substitution at nucleotide position 750. The aspartic acid at codon 250 is replaced by glutamic acid, an amino acid with highly similar properties. This amino acid position is conserved. In addition, this alteration is predicted to be tolerated by in silico analysis. Since supporting evidence is limited at this time, the clinical significance of this alteration remains unclear.

NM_001032283.3(TMPO):c.565+1169C>G

Gene: TMPO (thymopoietin; plus strand). Cytogenetic location: 12q23.1.
Variant type: single nucleotide variant.
Coding change: c.565+1169C>G on transcript NM_001032283.3 (MANE Select); 1169 bases into the intron after coding-DNA position 565, C replaced by G.
Molecular consequence: intron variant. On other transcripts: missense variant (1).
Genome position (GRCh38, 1-based): chr12:98,533,007, C>G. VCF-style: chr12-98533007-C-G. GRCh37 (hg19) VCF-style: chr12-98926785-C-G.
Other names: c.750C>G, p.Asp250Glu (NM_003276.2); c.565+1169C>G (NM_001307975.2, NM_001032284.3); short protein forms D250E.
Identifiers: ClinVar variation 1759247 (VCV001759247.5), dbSNP rs767997382, ClinGen allele CA6732280.